The following is an entry in ClinVar:

ClinVar aggregate classification (germline): Pathogenic. Review status: criteria provided, single submitter (1 of 4 stars). 2 submissions from 2 submitters: Pathogenic (1). 1 of the submissions does not count toward it. Last evaluated 2025-02-20.

Conditions:
Cardiovascular phenotype. Identifiers: MedGen CN230736.
Hereditary cancer-predisposing syndrome. Also called: Hereditary Cancer Syndrome; Tumor predisposition; Hereditary neoplastic syndrome; Neoplastic Syndromes, Hereditary. Identifiers: Orphanet 140162, MedGen C0027672, MeSH D009386, MONDO:0015356.
Neurofibromatosis, type 1 (NF1). Also called: Peripheral type neurofibromatosis; Neurofibromatosis, type I; VON RECKLINGHAUSEN DISEASE; NEUROFIBROMATOSIS, TYPE I, SOMATIC. Identifiers: Orphanet 636, MedGen C0027831, MONDO:0018975, OMIM 162200. Disease mechanism: loss of function.

Submissions (2):

Ambry Genetics
Classification: Pathogenic for Cardiovascular phenotype; Hereditary cancer-predisposing syndrome. Last evaluated: 2025-02-20. Review status: criteria provided, single submitter. Criteria: Ambry Variant Classification Scheme 2023. Collection method: clinical testing. Allele origin: germline.
Comment: The p.C167* pathogenic mutation (also known as c.501T>A), located in coding exon 5 of the NF1 gene, results from a T to A substitution at nucleotide position 501. This changes the amino acid from a cysteine to a stop codon within coding exon 5. This variant was reported in individual(s) with features consistent with neurofibromatosis type 1 (Tsipi M et al. J Neurol Sci, 2018 Dec;395:95-105; Nasi L et al. Acta Derm Venereol, 2023 Jun;103:adv5758). This variant is considered to be rare based on population cohorts in the Genome Aggregation Database (gnomAD). This alteration is expected to result in loss of function by premature protein truncation or nonsense-mediated mRNA decay. As such, this alteration is interpreted as a disease-causing mutation.

Laboratory of Medical Genetics, National & Kapodistrian University of Athens
Classification: Pathogenic for Neurofibromatosis, type 1. Last evaluated: 2019-01-01. Review status: no assertion criteria provided. Collection method: clinical testing. Allele origin: germline. Affected: yes. Not counted in ClinVar's aggregate classification.

Literature cited by the submitters: PubMed 30308447 (cited by Ambry Genetics); PubMed 37272364 (cited by Ambry Genetics).

NM_001042492.3(NF1):c.501T>A (p.Cys167Ter)

Gene: NF1 (neurofibromin 1; plus strand). Cytogenetic location: 17q11.2.
Variant type: single nucleotide variant.
Coding change: c.501T>A on transcript NM_001042492.3 (MANE Select); coding-DNA position 501, T replaced by A.
Protein change: p.Cys167Ter; replaces cysteine 167 with a stop codon.
Molecular consequence: nonsense.
Genome position (GRCh38, 1-based): chr17:31,169,912, T>A. VCF-style: chr17-31169912-T-A. GRCh37 (hg19) VCF-style: chr17-29496930-T-A.
Other names: c.501T>A, p.Cys167Ter (NM_000267.4, NM_001128147.3); short protein forms C167*.
Identifiers: ClinVar variation 1048706 (VCV001048706.2), dbSNP rs2143707089, ClinGen allele CA398984828.